The following is an entry in ClinVar:

ClinVar aggregate classification (germline): Pathogenic. Review status: reviewed by expert panel (3 of 4 stars). 4 submissions from 3 submitters: Pathogenic (1). 3 of the submissions do not count toward it. Last evaluated 2026-10-30.

Conditions:
RPGR-related retinopathy. Also called: RPGR retinopathy. Identifiers: MedGen CN305589, MONDO:0100437.
Retinal dystrophy. Also called: Inherited retinal dystrophy. Identifiers: Orphanet 71862, MedGen C0854723, MeSH D058499, MONDO:0019118, HP:0000556.
Retinitis pigmentosa 3. Also called: CHOROIDORETINAL DEGENERATION WITH RETINAL REFLEX IN HETEROZYGOUS WOMEN. Identifiers: Orphanet 791, MedGen C1845667, MONDO:0010227, OMIM 300029.
Macular degeneration, X-linked atrophic. Identifiers: Orphanet 1872, MedGen C3151784, MONDO:0010443, OMIM 300834.

Submissions (4):

ClinGen X-linked Inherited Retinal Disease Variant Curation Expert Panel, ClinGen
Classification: Pathogenic for RPGR-related retinopathy. Last evaluated: 2026-10-30. Review status: reviewed by expert panel. Criteria: ClinGen X LinkedIRD ACMG Specifications RPGR V1.0.0. Collection method: curation. Allele origin: germline. Inheritance: X-linked inheritance.
Comment: NM_001034853.2(RPGR):c.3300_3301del (p.His1100GlnfsTer10) is a frameshift variant caused by a 2-nucleotide deletion, which introduces a premature stop codon after 10 amino acids that is predicted to disrupt a critical C-terminal region required for proper glutamylation of RPGR (PVS1, PMID: 36445968). This variant is absent from hemizygous individuals in gnomAD v4.1.2 (PM2_Supporting). This variant has been reported in at least 2 apparently unrelated probands meeting one of the PS4 requirements of a male with some functional vision impairment by age 30 years and/or decreased or absent electroretinogram responses, or a female with functional visual abnormality and documentation of a male relative affected with retinitis pigmentosa (PMIDs: 21866333, 37510321, PS4_Supporting). In summary, this variant is classified as Pathogenic for RPGR-related retinopathy based on the ClinGen X-linked Inherited Retinal Disease Expert Panel Specifications to the ACMG/AMP Variant Interpretation Guidelines for RPGR Version 1.0.0: PVS1, PM2_Supporting, and PS4_Supporting.

Clinical Genetics and Genomics, Karolinska University Hospital
Classification: Likely pathogenic for Macular degeneration, X-linked atrophic. Last evaluated: 2024-08-21. Review status: criteria provided, single submitter. Criteria: ACMG Guidelines, 2015. Collection method: clinical testing. Allele origin: germline. Inheritance: X-linked inheritance. Affected: yes. Not counted in ClinVar's aggregate classification.

Blueprint Genetics
Classification: Likely pathogenic for Retinal dystrophy. Last evaluated: 2019-01-30. Review status: criteria provided, single submitter. Criteria: Blueprint Genetics Variant Classification Scheme. Collection method: clinical testing. Allele origin: germline. Affected: yes. Not counted in ClinVar's aggregate classification.

Blueprint Genetics
Classification: Likely pathogenic for Retinitis pigmentosa 3. Review status: no assertion criteria provided. Collection method: clinical testing. Allele origin: germline. Affected: yes. Not counted in ClinVar's aggregate classification.

NM_001034853.2(RPGR):c.3300_3301del (p.His1100fs)

Gene: RPGR (retinitis pigmentosa GTPase regulator; minus strand). Cytogenetic location: Xp11.4.
Variant type: Deletion.
Coding change: c.3300_3301del on transcript NM_001034853.2 (MANE Select); coding-DNA positions 3300 to 3301, 2 bases deleted (TA; older notation c.3300_3301delTA).
Protein change: p.His1100fs; shifts the reading frame from histidine 1100.
Molecular consequence: frameshift variant. On other transcripts: intron variant (8).
Genome position (GRCh38, 1-based): chrX:38,285,698-38,285,699, TA deleted on the plus strand (TA on the coding strand, the reverse complement: RPGR is on the minus strand); deleting any 2 consecutive bases within chrX:38,285,698-38,285,700 gives the same sequence; the c. name uses the placement nearest the transcript's 3' end. VCF-style (leftmost placement, unchanged base first): chrX-38285697-TTA-T. GRCh37 (hg19) VCF-style: chrX-38144950-TTA-T.
Other names: c.1569+5260_1569+5261del (NM_001367249.1, NM_001367250.1); c.1902+1395_1902+1396del (NM_001367245.1); c.1386+5260_1386+5261del (NM_001367251.1); c.1719+1395_1719+1396del (NM_001367246.1); c.1572+5260_1572+5261del (NM_001367247.1); c.1905+1395_1905+1396del (NM_000328.3); c.1602+5260_1602+5261del (NM_001367248.1); short protein forms H1100fs.
Identifiers: ClinVar variation 867083 (VCV000867083.4), dbSNP rs2067114709, ClinGen allele CA916083876.
Genomic context (GRCh38, chrX:38,285,697, plus strand): 5'-TTGGACCTCTGCTCTTTCCCATTTCCCTGTGTGTTAGTAACTGACTTTTTTTGATATGTT[TTA>T]TGTTTGCCATATTTCACAGATCCTTTTATTTTGCTCACTTTTTTGTACTCCTCTCCATCC-3'